The following is an entry in ClinVar:

NM_003839.4(TNFRSF11A):c.893A>G (p.Asp298Gly)

Gene: TNFRSF11A (TNF receptor superfamily member 11a; plus strand). Cytogenetic location: 18q21.33.
Variant type: single nucleotide variant.
Coding change: c.893A>G on transcript NM_003839.4 (MANE Select); coding-DNA position 893, A replaced by G.
Protein change: p.Asp298Gly; replaces aspartic acid 298 with glycine.
Molecular consequence: missense variant. On other transcripts: intron variant (3).
Genome position (GRCh38, 1-based): chr18:62,368,810, A>G. VCF-style: chr18-62368810-A-G. GRCh37 (hg19) VCF-style: chr18-60036043-A-G.
Other names: c.851A>G, p.Asp284Gly (NM_001278268.2); c.783+2050A>G (NM_001270949.2); c.730+7017A>G (NM_001270950.2); c.616+8761A>G (NM_001270951.2); short protein forms D284G, D298G.
Identifiers: ClinVar variation 3697919 (VCV003697919.2).

ClinVar aggregate classification (germline): Uncertain significance (1 of 4 stars; one submission).

gnomAD v4.1: 2 of 1,614,132 alleles (0.00012%); highest among the groups gnomAD compares: African/African-American, 0.0013%; no homozygotes.

Submission:

Labcorp Genetics (formerly Invitae), Labcorp
Classification: Uncertain significance. Last evaluated: 2024-01-31. Review status: criteria provided, single submitter. Criteria: Invitae Variant Classification Sherloc (09022015). Collection method: clinical testing. Allele origin: germline.
Comment: This sequence change replaces aspartic acid, which is acidic and polar, with glycine, which is neutral and non-polar, at codon 298 of the TNFRSF11A protein (p.Asp298Gly). This variant is not present in population databases (gnomAD no frequency). This variant has not been reported in the literature in individuals affected with TNFRSF11A-related conditions. An algorithm developed to predict the effect of missense changes on protein structure and function (PolyPhen-2) suggests that this variant is likely to be tolerated. Algorithms developed to predict the effect of sequence changes on RNA splicing suggest that this variant may create or strengthen a splice site. In summary, the available evidence is currently insufficient to determine the role of this variant in disease. Therefore, it has been classified as a Variant of Uncertain Significance.